The following is an entry in ClinVar:

ClinVar aggregate classification (germline): Likely pathogenic (1 of 4 stars; one submission).

Conditions:
Hereditary breast ovarian cancer syndrome. Also called: Hereditary breast and ovarian cancer syndrome; Hereditary breast and/or ovarian cancer syndrome; Hereditary breast and ovarian cancer syndrome (HBOC); Breast and ovarian cancer; BRCA1- and BRCA2-Associated Hereditary Breast and Ovarian Cancer; Hereditary breast and ovarian cancer. Identifiers: Orphanet 145, MedGen C0677776, MeSH D061325, MONDO:0003582. Disease mechanism: loss of function.

Submission:

Labcorp Genetics (formerly Invitae), Labcorp
Classification: Likely pathogenic for Hereditary breast ovarian cancer syndrome. Last evaluated: 2022-08-25. Review status: criteria provided, single submitter. Criteria: Invitae Variant Classification Sherloc (09022015). Collection method: clinical testing. Allele origin: germline.
Comment: In summary, the currently available evidence indicates that the variant is pathogenic, but additional data are needed to prove that conclusively. Therefore, this variant has been classified as Likely Pathogenic. A similar copy number variant has been observed in individual(s) with family history of breast and/or ovarian cancer (PMID: 16551709, 21120943). This variant results in a copy number gain of the genomic region encompassing exon(s) 19-20 of the BRCA2 gene. While the exact position of this variant cannot be determined from the data, sub-genic copy number gains are generally in tandem (PMID: 25640679). This variant is predicted to be out-of-frame, and may result in an absent or disrupted protein product. Loss-of-function variants in BRCA2 are known to be pathogenic (PMID: 20104584).

Literature cited by the submitters: PubMed 16551709; PubMed 21120943; PubMed 25640679; PubMed 20104584.

NC_000013.10:g.(?_32944519)_(32945257_?)dup

Gene: BRCA2 (BRCA2 DNA repair associated; plus strand). Cytogenetic location: 13q13.1.
Variant type: Duplication.
Identifiers: ClinVar variation 583573 (VCV000583573.11).